The following is an entry in ClinVar:

NM_000436.4(OXCT1):c.671+3A>G

Gene: OXCT1 (3-oxoacid CoA-transferase 1; minus strand). Cytogenetic location: 5p13.1.
Variant type: single nucleotide variant.
Coding change: c.671+3A>G on transcript NM_000436.4 (MANE Select); 3 bases into the intron after coding-DNA position 671, A replaced by G.
Molecular consequence: intron variant.
Genome position (GRCh38, 1-based): chr5:41,842,672, T>C on the plus strand (A>G on the coding strand, the complement: OXCT1 is on the minus strand). VCF-style: chr5-41842672-T-C. GRCh37 (hg19) VCF-style: chr5-41842774-T-C.
Other names: c.671+3A>G (NM_001364301.2, NM_001364302.2); c.692+3A>G (NM_001364299.2, NM_001364300.2); c.113+3A>G (NM_001364303.2).
Identifiers: ClinVar variation 353664 (VCV000353664.7), dbSNP rs766352197, ClinGen allele CA3253541.
Genomic context (GRCh38, chr5:41,842,672, plus strand): 5'-CACTCTGATGTCCATTTTTAGAGTTGCTGATATGCACGAGTGTTTTTAAAACTATCACAA[T>C]ACCTGAAAATCACGTTTCCTGCTCGGTCCGCCTTCCAGGCTTTCACCAAAGCAAAATCCC-3'

ClinVar aggregate classification (germline): Uncertain significance. Review status: criteria provided, multiple submitters, no conflicts (2 of 4 stars). 2 submissions from 2 submitters: Uncertain significance (2). Last evaluated 2021-07-31.

Conditions:
Succinyl-CoA acetoacetate transferase deficiency (SCOTD). Also called: 3-Oxoacid CoA Transferase Deficiency; KETOACIDOSIS DUE TO SCOT DEFICIENCY; SCOT DEFICIENCY; SUCCINYL-CoA:3-KETOACID CoA-TRANSFERASE DEFICIENCY; Succinyl CoA:3-oxoacid CoA transferase deficiency. Identifiers: Orphanet 832, MedGen C0342792, MONDO:0009492, OMIM 245050.

Allele frequency attached by ClinVar (database versions not stated): gnomAD exomes 0.00001 and 0.00002; ExAC 0.00002; gnomAD 0.00002; TOPMed 0.00002.
gnomAD v4.1: 24 of 1,599,460 alleles (0.0015%); highest among the groups gnomAD compares: Non-Finnish European, 0.0019%; no homozygotes.

Submissions (2):

Labcorp Genetics (formerly Invitae), Labcorp
Classification: Uncertain significance for Succinyl-CoA acetoacetate transferase deficiency. Last evaluated: 2021-07-31. Review status: criteria provided, single submitter. Criteria: Invitae Variant Classification Sherloc (09022015). Collection method: clinical testing. Allele origin: germline.
Comment: This sequence change falls in intron 6 of the OXCT1 gene. It does not directly change the encoded amino acid sequence of the OXCT1 protein. It affects a nucleotide within the consensus splice site of the intron. This variant is present in population databases (rs766352197, ExAC 0.003%). This variant has not been reported in the literature in individuals affected with OXCT1-related conditions. ClinVar contains an entry for this variant (Variation ID: 353664). Nucleotide substitutions within the consensus splice site are a relatively common cause of aberrant splicing (PMID: 17576681, 9536098). Algorithms developed to predict the effect of sequence changes on RNA splicing suggest that this variant may disrupt the consensus splice site. In summary, the available evidence is currently insufficient to determine the role of this variant in disease. Therefore, it has been classified as a Variant of Uncertain Significance.

Illumina Laboratory Services, Illumina
Classification: Uncertain significance for Succinyl-CoA acetoacetate transferase deficiency. Last evaluated: 2018-01-12. Review status: criteria provided, single submitter. Criteria: ICSL Variant Classification Criteria 13 December 2019. Collection method: clinical testing. Allele origin: germline.

Literature cited by the submitters: PubMed 17576681 (cited by Labcorp Genetics (formerly Invitae), Labcorp); PubMed 9536098 (cited by Labcorp Genetics (formerly Invitae), Labcorp).